The following is an entry in ClinVar:

NM_002495.4(NDUFS4):c.98+289A>G

Gene: NDUFS4 (NADH:ubiquinone oxidoreductase subunit S4; plus strand). Cytogenetic location: 5q11.2.
Variant type: single nucleotide variant.
Coding change: c.98+289A>G on transcript NM_002495.4 (MANE Select); 289 bases into the intron after coding-DNA position 98, A replaced by G.
Molecular consequence: intron variant.
Genome position (GRCh38, 1-based): chr5:53,561,049, A>G. VCF-style: chr5-53561049-A-G. GRCh37 (hg19) VCF-style: chr5-52856879-A-G.
Other names: c.98+289A>G (NM_001318051.2).
Identifiers: ClinVar variation 672591 (VCV000672591.1), dbSNP rs116058973, ClinGen allele CA119096192.

ClinVar aggregate classification (germline): Likely benign (1 of 4 stars; one submission).

Allele frequency attached by ClinVar (database versions not stated): 1000 Genomes Project 30x 0.01312; 1000 Genomes Project 0.01318; gnomAD 0.01774 and 0.01877; TOPMed 0.01822.
gnomAD v4.1: 2,744 of 152,218 alleles (1.8%); highest among the groups gnomAD compares: Middle Eastern, 3.4%; 26 homozygotes.

Submission:

GeneDx
Classification: Likely benign. Last evaluated: 2018-06-14. Review status: criteria provided, single submitter. Criteria: GeneDx Variant Classification (06012015). Collection method: clinical testing. Allele origin: germline. Affected: yes.
Comment: This variant is considered likely benign or benign based on one or more of the following criteria: it is a conservative change, it occurs at a poorly conserved position in the protein, it is predicted to be benign by multiple in silico algorithms, and/or has population frequency not consistent with disease.